The following is an entry in ClinVar:

NM_001282933.2(ZNF341):c.1157G>A (p.Arg386Gln)

Gene: ZNF341 (zinc finger protein 341; plus strand). Cytogenetic location: 20q11.22.
Variant type: single nucleotide variant.
Coding change: c.1157G>A on transcript NM_001282933.2 (MANE Select); coding-DNA position 1157, G replaced by A.
Protein change: p.Arg386Gln; replaces arginine 386 with glutamine.
Molecular consequence: missense variant. On other transcripts: non-coding transcript variant (1).
Genome position (GRCh38, 1-based): chr20:33,761,990, G>A. VCF-style: chr20-33761990-G-A. GRCh37 (hg19) VCF-style: chr20-32349796-G-A.
Other names: c.1157G>A (NM_001282933.1); c.887G>A, p.Arg296Gln (NM_001282935.2); c.1136G>A, p.Arg379Gln (NM_032819.5); short protein forms R296Q, R379Q, R386Q.
Identifiers: ClinVar variation 1166623 (VCV001166623.13), dbSNP rs2747553, ClinGen allele CA9819376.

ClinVar aggregate classification (germline): Benign/Likely benign. Review status: criteria provided, multiple submitters, no conflicts (2 of 4 stars). 4 submissions from 4 submitters: Benign (2); Likely benign (1). 1 of the submissions does not count toward it. Last evaluated 2026-02-02.

Conditions:
ZNF341-related disorder. Also called: ZNF341-related condition.

Allele frequency attached by ClinVar (database versions not stated): gnomAD 0.00533 and 0.00576; ESP Exome Variant Server 0.00577; gnomAD exomes 0.00053 and 0.00137; ExAC 0.00186; 1000 Genomes Project 0.00479; 1000 Genomes Project 30x 0.00531; TOPMed 0.00595.
gnomAD v4.1: 1,615 of 1,606,380 alleles (0.1%); highest among the groups gnomAD compares: African/African-American, 1.9%; 13 homozygotes.

Submissions (4):

Labcorp Genetics (formerly Invitae), Labcorp
Classification: Benign. Last evaluated: 2026-02-02. Review status: criteria provided, single submitter. Criteria: Invitae Variant Classification Sherloc (09022015). Collection method: clinical testing. Allele origin: germline.

Women's Health and Genetics/Laboratory Corporation of America, LabCorp
Classification: Likely benign. Last evaluated: 2026-01-22. Review status: criteria provided, single submitter. Criteria: LabCorp Variant Classification Summary - May 2015. Collection method: clinical testing. Allele origin: germline.

Breakthrough Genomics
Classification: Benign. Review status: criteria provided, single submitter. Criteria: ACMG Guidelines, 2015. Collection method: not provided. Allele origin: germline. Inheritance: Autosomal recessive inheritance. Affected: yes.

PreventionGenetics, part of Exact Sciences
Classification: Benign for ZNF341-related condition. Last evaluated: 2019-06-20. Review status: no assertion criteria provided. Collection method: clinical testing. Allele origin: germline. Not counted in ClinVar's aggregate classification.
Comment: This variant is classified as benign based on ACMG/AMP sequence variant interpretation guidelines (Richards et al. 2015 PMID: 25741868, with internal and published modifications).